The following is an entry in ClinVar:

NM_020921.4(NIN):c.130G>A (p.Glu44Lys)

Genes: NIN (ninein; minus strand), LOC105370489 (uncharacterized LOC105370489; plus strand). Cytogenetic location: 14q22.1.
Variant type: single nucleotide variant.
Coding change: c.130G>A on transcript NM_020921.4 (MANE Select); coding-DNA position 130, G replaced by A.
Protein change: p.Glu44Lys; replaces glutamic acid 44 with lysine.
Molecular consequence: missense variant. On other transcripts: non-coding transcript variant (1).
Genome position (GRCh38, 1-based): chr14:50,821,927, C>T on the plus strand (G>A on the coding strand, the complement: NIN is on the minus strand). VCF-style: chr14-50821927-C-T. GRCh37 (hg19) VCF-style: chr14-51288645-C-T.
Other names: c.130G>A, p.Glu44Lys (NM_016350.5, NM_182944.3, NM_182946.2); short protein forms E44K.
Identifiers: ClinVar variation 2999037 (VCV002999037.3), dbSNP rs750845944, ClinGen allele CA7182586.

ClinVar aggregate classification (germline): Uncertain significance (1 of 4 stars; one submission).

Allele frequency attached by ClinVar (database versions not stated): gnomAD exomes 0.00001; TOPMed 0.00001; ExAC 0.00002.

Submission:

Labcorp Genetics (formerly Invitae), Labcorp
Classification: Uncertain significance. Last evaluated: 2023-08-04. Review status: criteria provided, single submitter. Criteria: Invitae Variant Classification Sherloc (09022015). Collection method: clinical testing. Allele origin: germline.
Comment: An algorithm developed to predict the effect of missense changes on protein structure and function (PolyPhen-2) suggests that this variant is likely to be disruptive. This variant has not been reported in the literature in individuals affected with NIN-related conditions. This variant is present in population databases (rs750845944, gnomAD 0.02%). This sequence change replaces glutamic acid, which is acidic and polar, with lysine, which is basic and polar, at codon 44 of the NIN protein (p.Glu44Lys). In summary, the available evidence is currently insufficient to determine the role of this variant in disease. Therefore, it has been classified as a Variant of Uncertain Significance.